The following is an entry in ClinVar:

NM_024339.5(THOC6):c.930C>G (p.Ala310=)

Gene: THOC6 (THO complex subunit 6; plus strand). Cytogenetic location: 16p13.3.
Variant type: single nucleotide variant.
Coding change: c.930C>G on transcript NM_024339.5 (MANE Select); coding-DNA position 930, C replaced by G.
Protein change: p.Ala310=; no amino-acid change (alanine 310 retained).
Molecular consequence: synonymous variant. On other transcripts: intron variant (1).
Genome position (GRCh38, 1-based): chr16:3,027,485, C>G. VCF-style: chr16-3027485-C-G. GRCh37 (hg19) VCF-style: chr16-3077486-C-G.
Other names: c.858C>G, p.Ala286= (NM_001347703.2); c.930C>G, p.Ala310= (NM_001347704.2); c.811-92C>G (NM_001142350.3).
Identifiers: ClinVar variation 3050346 (VCV003050346.2), dbSNP rs149227535, ClinGen allele CA7855225.

ClinVar aggregate classification (germline): Likely benign (0 of 4 stars; one submission).

Conditions:
THOC6-related disorder. Also called: THOC6-related condition.

Allele frequency attached by ClinVar (database versions not stated): ESP Exome Variant Server 0.00023.
gnomAD v4.1: 69 of 1,609,976 alleles (0.0043%); highest among the groups gnomAD compares: African/African-American, 0.008%; no homozygotes.

Submission:

PreventionGenetics, part of Exact Sciences
Classification: Likely benign for THOC6-related condition. Last evaluated: 2019-02-19. Review status: no assertion criteria provided. Collection method: clinical testing. Allele origin: germline.
Comment: This variant is classified as likely benign based on ACMG/AMP sequence variant interpretation guidelines (Richards et al. 2015 PMID: 25741868, with internal and published modifications).